The following is an entry in ClinVar:

NM_000601.6(HGF):c.1818T>C (p.Ile606=)

Gene: HGF (hepatocyte growth factor; minus strand). Cytogenetic location: 7q21.11.
Variant type: single nucleotide variant.
Coding change: c.1818T>C on transcript NM_000601.6 (MANE Select); coding-DNA position 1818, T replaced by C.
Protein change: p.Ile606=; no amino-acid change (isoleucine 606 retained).
Molecular consequence: synonymous variant.
Genome position (GRCh38, 1-based): chr7:81,705,693, A>G on the plus strand (T>C on the coding strand, the complement: HGF is on the minus strand). VCF-style: chr7-81705693-A-G. GRCh37 (hg19) VCF-style: chr7-81335009-A-G.
Other names: c.1803T>C, p.Ile601= (NM_001010932.3).
Identifiers: ClinVar variation 505295 (VCV000505295.4), dbSNP rs762445545, ClinGen allele CA4316798.

ClinVar aggregate classification (germline): Likely benign (1 of 4 stars; one submission).

Allele frequency attached by ClinVar (database versions not stated): ExAC 0.00001; gnomAD exomes 0.00001 and 0.00002; gnomAD 0.00002; TOPMed 0.00003.
gnomAD v4.1: 27 of 1,612,726 alleles (0.0017%); highest among the groups gnomAD compares: Non-Finnish European, 0.0023%; no homozygotes.

Submission:

Laboratory for Molecular Medicine, Mass General Brigham Personalized Medicine
Classification: Likely benign. Last evaluated: 2016-09-12. Review status: criteria provided, single submitter. Criteria: LMM Criteria. Collection method: clinical testing. Allele origin: germline. Observed: 1 variant allele.
Comment: p.Ile606Ile in exon 16 of HGF: This variant is not expected to have clinical sig nificance because it does not alter an amino acid residue and is not located wit hin the splice consensus sequence. It has been identified in 1/66170 European ch romosomes by the Exome Aggregation Consortium (ExAC. org; dbSNP rs762445545).